The following is an entry in ClinVar:

ClinVar aggregate classification (germline): Uncertain significance (1 of 4 stars; one submission).

Submission:

Ambry Genetics
Classification: Uncertain significance. Last evaluated: 2024-04-05. Review status: criteria provided, single submitter. Criteria: Ambry Variant Classification Scheme 2023. Collection method: clinical testing. Allele origin: germline.
Comment: The p.W649R variant (also known as c.1945T>C), located in coding exon 3 of the ALPK2 gene, results from a T to C substitution at nucleotide position 1945. The tryptophan at codon 649 is replaced by arginine, an amino acid with dissimilar properties. This amino acid position is conserved. In addition, this alteration is predicted to be tolerated by in silico analysis. Based on the available evidence, the clinical significance of this variant remains unclear.

NM_052947.4(ALPK2):c.1945T>C (p.Trp649Arg)

Gene: ALPK2 (alpha kinase 2; minus strand). Cytogenetic location: 18q21.31.
Variant type: single nucleotide variant.
Coding change: c.1945T>C on transcript NM_052947.4 (MANE Select); coding-DNA position 1945, T replaced by C.
Protein change: p.Trp649Arg; replaces tryptophan 649 with arginine.
Molecular consequence: missense variant.
Genome position (GRCh38, 1-based): chr18:58,578,831, A>G on the plus strand (T>C on the coding strand, the complement: ALPK2 is on the minus strand). VCF-style: chr18-58578831-A-G. GRCh37 (hg19) VCF-style: chr18-56246063-A-G.
Other names: short protein forms W649R.
Identifiers: ClinVar variation 3289950 (VCV003289950.1).